The following is an entry in ClinVar:

ClinVar aggregate classification (germline): Uncertain significance. Review status: criteria provided, multiple submitters, no conflicts (2 of 4 stars). 2 submissions from 2 submitters: Uncertain significance (2). Last evaluated 2025-08-14.

Conditions:
Inborn genetic diseases. Identifiers: MedGen C0950123, MeSH D030342.
Mosaic variegated aneuploidy syndrome 2 (MVA2). Identifiers: Orphanet 1052, MedGen C3279843, MONDO:0013582, OMIM 614114.

Submissions (2):

Ambry Genetics
Classification: Uncertain significance for Inborn genetic diseases. Last evaluated: 2025-08-14. Review status: criteria provided, single submitter. Criteria: Ambry Variant Classification Scheme 2023. Collection method: clinical testing. Allele origin: germline.
Comment: The p.Q428H variant (also known as c.1284G>T), located in coding exon 11 of the CEP57 gene, results from a G to T substitution at nucleotide position 1284. The glutamine at codon 428 is replaced by histidine, an amino acid with highly similar properties. This amino acid position is conserved. In addition, this alteration is predicted to be tolerated by in silico analysis. Based on the available evidence, the clinical significance of this variant remains unclear.

Labcorp Genetics (formerly Invitae), Labcorp
Classification: Uncertain significance for Mosaic variegated aneuploidy syndrome 2. Last evaluated: 2025-03-29. Review status: criteria provided, single submitter. Criteria: Invitae Variant Classification Sherloc (09022015). Collection method: clinical testing. Allele origin: germline.
Comment: This sequence change replaces glutamine, which is neutral and polar, with histidine, which is basic and polar, at codon 428 of the CEP57 protein (p.Gln428His). This variant is not present in population databases (gnomAD no frequency). This variant has not been reported in the literature in individuals affected with CEP57-related conditions. Invitae Evidence Modeling of protein sequence and biophysical properties (such as structural, functional, and spatial information, amino acid conservation, physicochemical variation, residue mobility, and thermodynamic stability) indicates that this missense variant is not expected to disrupt CEP57 protein function with a negative predictive value of 80%. In summary, the available evidence is currently insufficient to determine the role of this variant in disease. Therefore, it has been classified as a Variant of Uncertain Significance.

NM_014679.5(CEP57):c.1284G>T (p.Gln428His)

Gene: CEP57 (centrosomal protein 57; plus strand). Cytogenetic location: 11q21.
Variant type: single nucleotide variant.
Coding change: c.1284G>T on transcript NM_014679.5 (MANE Select); coding-DNA position 1284, G replaced by T.
Protein change: p.Gln428His; replaces glutamine 428 with histidine.
Molecular consequence: missense variant.
Genome position (GRCh38, 1-based): chr11:95,831,037, G>T. VCF-style: chr11-95831037-G-T. GRCh37 (hg19) VCF-style: chr11-95564201-G-T.
Other names: c.1257G>T, p.Gln419His (NM_001243776.2); c.1206G>T, p.Gln402His (NM_001243777.2); c.1203G>T, p.Gln401His (NM_001363604.2, NM_001440869.1, NM_001440870.1); c.1176G>T, p.Gln392His (NM_001440871.1); c.1167G>T, p.Gln389His (NM_001440872.1); c.1104G>T, p.Gln368His (NM_001440873.1); c.1098G>T, p.Gln366His (NM_001440874.1); c.1095G>T, p.Gln365His (NM_001440875.1); and 6 more; short protein forms Q329H, Q365H, Q392H, Q401H, Q428H, Q363H, Q366H, Q368H.
Identifiers: ClinVar variation 4226379 (VCV004226379.2).